The following is an entry in ClinVar:

NM_025184.4(EFHC2):c.2160T>C (p.Asp720=)

Gene: EFHC2 (EF-hand domain containing 2; minus strand). Cytogenetic location: Xp11.3.
Variant type: single nucleotide variant.
Coding change: c.2160T>C on transcript NM_025184.4 (MANE Select); coding-DNA position 2160, T replaced by C.
Protein change: p.Asp720=; no amino-acid change (aspartic acid 720 retained).
Molecular consequence: synonymous variant.
Genome position (GRCh38, 1-based): chrX:44,148,885, A>G on the plus strand (T>C on the coding strand, the complement: EFHC2 is on the minus strand). VCF-style: chrX-44148885-A-G. GRCh37 (hg19) VCF-style: chrX-44008131-A-G.
Identifiers: ClinVar variation 2660362 (VCV002660362.24), dbSNP rs370842574, ClinGen allele CA10391476.

ClinVar aggregate classification (germline): Likely benign (1 of 4 stars; one submission).

Allele frequency attached by ClinVar (database versions not stated): gnomAD exomes 0.00013; gnomAD 0.00021; TOPMed 0.00021; ExAC 0.00049; ESP Exome Variant Server 0.00052.
gnomAD v4.1: 170 of 1,174,682 alleles (0.014%); highest among the groups gnomAD compares: Non-Finnish European, 0.0022%; no homozygotes.

Submission:

CeGaT Center for Human Genetics Tuebingen
Classification: Likely benign. Last evaluated: 2023-02-01. Review status: criteria provided, single submitter. Criteria: CeGaT Center For Human Genetics Tuebingen Variant Classification Criteria Version 2. Collection method: clinical testing. Allele origin: germline. Affected: yes. Observed: 1 variant allele.
Comment: EFHC2: BP4, BP7, BS2